The following is an entry in ClinVar:

NM_019032.6(ADAMTSL4):c.1308G>T (p.Lys436Asn)

Genes: ADAMTSL4 (ADAMTS like 4; plus strand), ADAMTSL4-AS2 (ADAMTSL4 antisense RNA 2; minus strand). Cytogenetic location: 1q21.2.
Variant type: single nucleotide variant.
Coding change: c.1308G>T on transcript NM_019032.6 (MANE Select); coding-DNA position 1308, G replaced by T.
Protein change: p.Lys436Asn; replaces lysine 436 with asparagine.
Molecular consequence: missense variant.
Genome position (GRCh38, 1-based): chr1:150,555,502, G>T. VCF-style: chr1-150555502-G-T. GRCh37 (hg19) VCF-style: chr1-150527978-G-T.
Other names: c.1377G>T, p.Lys459Asn (NM_001288607.2, NM_001288608.2); c.1308G>T, p.Lys436Asn (NM_001378596.1, NM_025008.5); short protein forms K459N, K436N.
Identifiers: ClinVar variation 3695395 (VCV003695395.2).

ClinVar aggregate classification (germline): Uncertain significance (1 of 4 stars; one submission).

Submission:

Labcorp Genetics (formerly Invitae), Labcorp
Classification: Uncertain significance. Last evaluated: 2024-03-21. Review status: criteria provided, single submitter. Criteria: Invitae Variant Classification Sherloc (09022015). Collection method: clinical testing. Allele origin: germline.
Comment: This sequence change replaces lysine, which is basic and polar, with asparagine, which is neutral and polar, at codon 436 of the ADAMTSL4 protein (p.Lys436Asn). This variant is not present in population databases (gnomAD no frequency). This variant has not been reported in the literature in individuals affected with ADAMTSL4-related conditions. Advanced modeling of protein sequence and biophysical properties (such as structural, functional, and spatial information, amino acid conservation, physicochemical variation, residue mobility, and thermodynamic stability) has been performed at Invitae for this missense variant, however the output from this modeling did not meet the statistical confidence thresholds required to predict the impact of this variant on ADAMTSL4 protein function. In summary, the available evidence is currently insufficient to determine the role of this variant in disease. Therefore, it has been classified as a Variant of Uncertain Significance.